The following is an entry in ClinVar:

ClinVar aggregate classification (germline): Uncertain significance (1 of 4 stars; one submission).

Conditions:
SEMA3D-related disorder. Also called: SEMA3D-related condition.

gnomAD v4.1: 15 of 1,609,452 alleles (0.00093%); highest among the groups gnomAD compares: East Asian, 0.013%; no homozygotes.

Submission:

PreventionGenetics, part of Exact Sciences
Classification: Uncertain significance for SEMA3D-related condition. Last evaluated: 2024-12-02. Review status: criteria provided, single submitter. Criteria: ACMG Guidelines, 2015. Collection method: clinical testing. Allele origin: germline.
Comment: The SEMA3D c.1568G>A variant is predicted to result in the amino acid substitution p.Arg523Gln. To our knowledge, this variant has not been reported in the literature. This variant is reported in 0.016% of alleles in individuals of East Asian descent in gnomAD. At this time, the clinical significance of this variant is uncertain due to the absence of conclusive functional and genetic evidence.

NM_001384900.1(SEMA3D):c.1568G>A (p.Arg523Gln)

Gene: SEMA3D (semaphorin 3D; minus strand). Cytogenetic location: 7q21.11.
Variant type: single nucleotide variant.
Coding change: c.1568G>A on transcript NM_001384900.1 (MANE Select); coding-DNA position 1568, G replaced by A.
Protein change: p.Arg523Gln; replaces arginine 523 with glutamine.
Molecular consequence: missense variant.
Genome position (GRCh38, 1-based): chr7:85,015,194, C>T on the plus strand (G>A on the coding strand, the complement: SEMA3D is on the minus strand). VCF-style: chr7-85015194-C-T. GRCh37 (hg19) VCF-style: chr7-84644510-C-T.
Other names: c.1568G>A, p.Arg523Gln (NM_001384901.1, NM_001384902.1, NM_001384903.1 and 1 more transcripts); short protein forms R523Q.
Identifiers: ClinVar variation 4990222 (VCV004990222.1).